The following is an entry in ClinVar:

ClinVar aggregate classification (germline): Conflicting classifications of pathogenicity. Review status: criteria provided, conflicting classifications (1 of 4 stars). 4 submissions from 4 submitters: Uncertain significance (1); Likely benign (2). 1 of the submissions does not count toward it. Last evaluated 2025-11-10.

Conditions:
PHYH-related disorder. Also called: PHYH-related condition.
Refsum disease, classic. Also called: HEREDOPATHIA ATACTICA POLYNEURITIFORMIS; HMSN IV; PHYTANIC ACID OXIDASE DEFICIENCY; PHYH-Related Refsum Disease. Identifiers: Orphanet 773, MedGen C5780941, MONDO:1060256, OMIM 266500. Disease mechanism: loss of function.

Allele frequency attached by ClinVar (database versions not stated): gnomAD 0.00007; ESP Exome Variant Server 0.00015; gnomAD exomes 0.00006; TOPMed 0.00006; ExAC 0.00004.

Submissions (4):

Labcorp Genetics (formerly Invitae), Labcorp
Classification: Likely benign. Last evaluated: 2025-11-10. Review status: criteria provided, single submitter. Criteria: Invitae Variant Classification Sherloc (09022015). Collection method: clinical testing. Allele origin: germline.

Blueprint Genetics
Classification: Likely benign. Last evaluated: 2024-10-08. Review status: criteria provided, single submitter. Criteria: ACMG Guidelines, 2015. Collection method: clinical testing. Allele origin: germline.

Illumina Laboratory Services, Illumina
Classification: Uncertain significance for Refsum disease, classic. Last evaluated: 2018-01-13. Review status: criteria provided, single submitter. Criteria: ICSL Variant Classification Criteria 13 December 2019. Collection method: clinical testing. Allele origin: germline.

PreventionGenetics, part of Exact Sciences
Classification: Likely benign for PHYH-related condition. Last evaluated: 2019-09-19. Review status: no assertion criteria provided. Collection method: clinical testing. Allele origin: germline. Not counted in ClinVar's aggregate classification.
Comment: This variant is classified as likely benign based on ACMG/AMP sequence variant interpretation guidelines (Richards et al. 2015 PMID: 25741868, with internal and published modifications).

NM_006214.4(PHYH):c.76-9A>T

Gene: PHYH (phytanoyl-CoA 2-hydroxylase; minus strand). Cytogenetic location: 10p13.
Variant type: single nucleotide variant.
Coding change: c.76-9A>T on transcript NM_006214.4 (MANE Select); 9 bases into the intron before coding-DNA position 76, A replaced by T.
Molecular consequence: intron variant.
Genome position (GRCh38, 1-based): chr10:13,298,254, T>A on the plus strand (A>T on the coding strand, the complement: PHYH is on the minus strand). VCF-style: chr10-13298254-T-A. GRCh37 (hg19) VCF-style: chr10-13340254-T-A.
Other names: c.76-9A>T (NM_001323083.2, NM_001323082.2); c.-167+1166A>T (NM_001037537.2, NM_001323084.2); c.-225-9A>T (NM_001323080.2).
Identifiers: ClinVar variation 299262 (VCV000299262.17), dbSNP rs368542152, ClinGen allele CA5412492.